The following is an entry in ClinVar:

ClinVar aggregate classification (germline): Uncertain significance (1 of 4 stars; one submission).

Allele frequency attached by ClinVar (database versions not stated): ExAC 0.00002; gnomAD exomes 0.00002; TOPMed 0.00003.
gnomAD v4.1: 18 of 1,613,732 alleles (0.0011%); highest among the groups gnomAD compares: Middle Eastern, 0.017%; no homozygotes.

Submission:

Labcorp Genetics (formerly Invitae), Labcorp
Classification: Uncertain significance. Last evaluated: 2022-01-13. Review status: criteria provided, single submitter. Criteria: Invitae Variant Classification Sherloc (09022015). Collection method: clinical testing. Allele origin: germline.
Comment: This sequence change replaces isoleucine, which is neutral and non-polar, with valine, which is neutral and non-polar, at codon 639 of the PNPT1 protein (p.Ile639Val). This variant is present in population databases (rs748813401, gnomAD 0.006%). This variant has not been reported in the literature in individuals affected with PNPT1-related conditions. Advanced modeling of protein sequence and biophysical properties (such as structural, functional, and spatial information, amino acid conservation, physicochemical variation, residue mobility, and thermodynamic stability) performed at Invitae indicates that this missense variant is not expected to disrupt PNPT1 protein function. In summary, the available evidence is currently insufficient to determine the role of this variant in disease. Therefore, it has been classified as a Variant of Uncertain Significance.

NM_033109.5(PNPT1):c.1915A>G (p.Ile639Val)

Gene: PNPT1 (polyribonucleotide nucleotidyltransferase 1; minus strand). Cytogenetic location: 2p16.1.
Variant type: single nucleotide variant.
Coding change: c.1915A>G on transcript NM_033109.5 (MANE Select); coding-DNA position 1915, A replaced by G.
Protein change: p.Ile639Val; replaces isoleucine 639 with valine.
Molecular consequence: missense variant.
Genome position (GRCh38, 1-based): chr2:55,643,417, T>C on the plus strand (A>G on the coding strand, the complement: PNPT1 is on the minus strand). VCF-style: chr2-55643417-T-C. GRCh37 (hg19) VCF-style: chr2-55870552-T-C.
Other names: short protein forms I639V.
Identifiers: ClinVar variation 1387369 (VCV001387369.3), dbSNP rs748813401, ClinGen allele CA1667871.
Genomic context (GRCh38, chr2:55,643,417, plus strand): 5'-CATGCATAGCACTGGGTGTTGGTGCAAATACAGAAAACGTTTCTTCATCCACCTGACTAA[T>C]AGTTACACCTTTTAAAAACAAAATGTAACATATTAAAGTTAACTTGGCTGGGCATAGTGG-3'
Protein context (NP_149100.2, residues 629-649): KKLQAETGVT[Ile639Val]SQVDEETFSV